The following is an entry in ClinVar:

ClinVar aggregate classification (germline): Pathogenic (1 of 4 stars; one submission).

Conditions:
Neurofibromatosis, type 1 (NF1). Also called: NEUROFIBROMATOSIS, TYPE I, SOMATIC; VON RECKLINGHAUSEN DISEASE; Peripheral type neurofibromatosis; Neurofibromatosis, type I. Identifiers: Orphanet 636, MedGen C0027831, MONDO:0018975, OMIM 162200. Disease mechanism: loss of function.

Submission:

Labcorp Genetics (formerly Invitae), Labcorp
Classification: Pathogenic for Neurofibromatosis, type 1. Last evaluated: 2025-12-20. Review status: criteria provided, single submitter. Criteria: Invitae Variant Classification Sherloc (09022015). Collection method: clinical testing. Allele origin: germline.
Comment: This sequence change creates a premature translational stop signal (p.Cys42Phefs*2) in the NF1 gene. It is expected to result in an absent or disrupted protein product. Loss-of-function variants in NF1 are known to be pathogenic (PMID: 10712197, 23913538). This variant is not present in population databases (gnomAD no frequency). This variant has not been reported in the literature in individuals affected with NF1-related conditions. For these reasons, this variant has been classified as Pathogenic.

Literature cited by the submitters: PubMed 10712197; PubMed 23913538.

NM_001042492.3(NF1):c.125del (p.Cys42fs)

Gene: NF1 (neurofibromin 1; plus strand). Cytogenetic location: 17q11.2.
Variant type: Deletion.
Coding change: c.125del on transcript NM_001042492.3 (MANE Select); coding-DNA position 125, one base deleted (G; older notation c.125delG).
Protein change: p.Cys42fs; shifts the reading frame from cysteine 42.
Molecular consequence: frameshift variant.
Genome position (GRCh38, 1-based): chr17:31,156,047, G deleted. VCF-style (leftmost placement, unchanged base first): chr17-31156046-TG-T. GRCh37 (hg19) VCF-style: chr17-29483064-TG-T.
Other names: c.125del, p.Cys42fs (NM_000267.4, NM_001128147.3); short protein forms C42fs.
Identifiers: ClinVar variation 4727095 (VCV004727095.1).